The following is an entry in ClinVar:

ClinVar aggregate classification (germline): Uncertain significance. Review status: criteria provided, multiple submitters, no conflicts (2 of 4 stars). 2 submissions from 2 submitters: Uncertain significance (2). Last evaluated 2025-09-15.

Conditions:
Combined immunodeficiency due to ORAI1 deficiency. Also called: IMMUNODEFICIENCY 9. Identifiers: Orphanet 169090, Orphanet 317428, MedGen C2748568, MONDO:0013007, OMIM 612782.
Myopathy, tubular aggregate, 2 (TAM2). Identifiers: MedGen C4014557, MONDO:0014383, OMIM 615883.

Allele frequency attached by ClinVar (database versions not stated): gnomAD 0.00003 and 0.00004; gnomAD exomes 0.00002; TOPMed 0.00004.

Submissions (2):

Labcorp Genetics (formerly Invitae), Labcorp
Classification: Uncertain significance for Myopathy, tubular aggregate, 2; Combined immunodeficiency due to ORAI1 deficiency. Last evaluated: 2025-09-15. Review status: criteria provided, single submitter. Criteria: Invitae Variant Classification Sherloc (09022015). Collection method: clinical testing. Allele origin: germline.
Comment: This sequence change replaces glutamine, which is neutral and polar, with arginine, which is basic and polar, at codon 72 of the ORAI1 protein (p.Gln72Arg). This variant is present in population databases (no rsID available, gnomAD 0.004%). This variant has not been reported in the literature in individuals affected with ORAI1-related conditions. ClinVar contains an entry for this variant (Variation ID: 1434750). Experimental studies and prediction algorithms are not available or were not evaluated, and the functional significance of this variant is currently unknown. In summary, the available evidence is currently insufficient to determine the role of this variant in disease. Therefore, it has been classified as a Variant of Uncertain Significance.

Women's Health and Genetics/Laboratory Corporation of America, LabCorp
Classification: Uncertain significance. Last evaluated: 2025-02-19. Review status: criteria provided, single submitter. Criteria: LabCorp Variant Classification Summary - May 2015. Collection method: clinical testing. Allele origin: germline.
Comment: Variant summary: ORAI1 c.221A>G (p.Gln74Arg) results in a conservative amino acid change in the encoded protein sequence. Two of three in-silico tools predict a benign effect of the variant on protein function. The variant allele was found at a frequency of 2.1e-05 in 242532 control chromosomes. The available data on variant occurrences in the general population are insufficient to allow any conclusion about variant significance. To our knowledge, no occurrence of c.221A>G in individuals affected with Myopathy, Tubular Aggregate, 2 and no experimental evidence demonstrating its impact on protein function have been reported. ClinVar contains an entry for this variant (Variation ID: 1434750). Based on the evidence outlined above, the variant was classified as uncertain significance.

NM_032790.4(ORAI1):c.215A>G (p.Gln72Arg)

Genes: ORAI1 (ORAI calcium release-activated calcium modulator 1; plus strand), LOC130008987 (ATAC-STARR-seq lymphoblastoid silent region 4981; plus strand). Cytogenetic location: 12q24.31.
Variant type: single nucleotide variant.
Coding change: c.215A>G on transcript NM_032790.4 (MANE Select); coding-DNA position 215, A replaced by G.
Protein change: p.Gln72Arg; replaces glutamine 72 with arginine.
Genome position (GRCh38, 1-based): chr12:121,626,962, A>G. VCF-style: chr12-121626962-A-G. GRCh37 (hg19) VCF-style: chr12-122064868-A-G.
Other names: short protein forms Q72R.
Identifiers: ClinVar variation 1434750 (VCV001434750.7), dbSNP rs1411464557, ClinGen allele CA386980983.
Genomic context (GRCh38, chr12:121,626,962, plus strand): 5'-ACCCGGACTGGATCGGCCAGAGTTACTCCGAGGTGATGAGCCTCAACGAGCACTCCATGC[A>G]GGCGCTGTCCTGGCGCAAGCTCTACTTGAGCCGCGCCAAGCTTAAAGCCTCCAGCCGGAC-3'
Protein context (NP_116179.2, residues 62-82): EVMSLNEHSM[Gln72Arg]ALSWRKLYLS